The following is an entry in ClinVar:

ClinVar aggregate classification (germline): Uncertain significance. Review status: criteria provided, multiple submitters, no conflicts (2 of 4 stars). 2 submissions from 2 submitters: Uncertain significance (2). Last evaluated 2025-04-02.

Conditions:
Inborn genetic diseases. Identifiers: MedGen C0950123, MeSH D030342.
Curry-Hall syndrome (WAD). Also called: WEYERS ACRODENTAL DYSOSTOSIS. Identifiers: Orphanet 952, MedGen C0457013, MONDO:0008673, OMIM 193530.
Ellis-van Creveld syndrome (EVC). Also called: MESOECTODERMAL DYSPLASIA; EVC-Related Ellis-van Creveld Syndrome; EVC2-Related Ellis-van Creveld Syndrome; Chondroectodermal dysplasia. Identifiers: Orphanet 289, MedGen C0013903, MONDO:0009162, OMIM 225500.

Allele frequency attached by ClinVar (database versions not stated): gnomAD 0.00001; gnomAD exomes 0.00001 and 0.00002; ExAC 0.00002; TOPMed 0.00002.
gnomAD v4.1: 9 of 1,614,236 alleles (0.00056%); highest among the groups gnomAD compares: Admixed American, 0.013%; no homozygotes.

Submissions (2):

Ambry Genetics
Classification: Uncertain significance for Inborn genetic diseases. Last evaluated: 2025-04-02. Review status: criteria provided, single submitter. Criteria: Ambry Variant Classification Scheme 2023. Collection method: clinical testing. Allele origin: germline.

Labcorp Genetics (formerly Invitae), Labcorp
Classification: Uncertain significance for Curry-Hall syndrome; Ellis-van Creveld syndrome. Last evaluated: 2022-03-03. Review status: criteria provided, single submitter. Criteria: Invitae Variant Classification Sherloc (09022015). Collection method: clinical testing. Allele origin: germline.
Comment: This sequence change replaces arginine, which is basic and polar, with serine, which is neutral and polar, at codon 221 of the EVC2 protein (p.Arg221Ser). This variant is present in population databases (rs753207027, gnomAD 0.01%). This variant has not been reported in the literature in individuals affected with EVC2-related conditions. Algorithms developed to predict the effect of missense changes on protein structure and function (SIFT, PolyPhen-2, Align-GVGD) all suggest that this variant is likely to be tolerated. In summary, the available evidence is currently insufficient to determine the role of this variant in disease. Therefore, it has been classified as a Variant of Uncertain Significance.

NM_147127.5(EVC2):c.663G>T (p.Arg221Ser)

Gene: EVC2 (EvC ciliary complex subunit 2; minus strand). Cytogenetic location: 4p16.2.
Variant type: single nucleotide variant.
Coding change: c.663G>T on transcript NM_147127.5 (MANE Select); coding-DNA position 663, G replaced by T.
Protein change: p.Arg221Ser; replaces arginine 221 with serine.
Molecular consequence: missense variant.
Genome position (GRCh38, 1-based): chr4:5,689,200, C>A on the plus strand (G>T on the coding strand, the complement: EVC2 is on the minus strand). VCF-style: chr4-5689200-C-A. GRCh37 (hg19) VCF-style: chr4-5690927-C-A.
Other names: c.423G>T, p.Arg141Ser (NM_001166136.2); c.663G>T (NM_147127.4); short protein forms R141S, R221S.
Identifiers: ClinVar variation 1360712 (VCV001360712.7), dbSNP rs753207027, ClinGen allele CA2835375.